The following is an entry in ClinVar:

NM_000143.4(FH):c.1500G>C (p.Trp500Cys)

Gene: FH (fumarate hydratase; minus strand). Cytogenetic location: 1q43.
Variant type: single nucleotide variant.
Coding change: c.1500G>C on transcript NM_000143.4 (MANE Select); coding-DNA position 1500, G replaced by C.
Protein change: p.Trp500Cys; replaces tryptophan 500 with cysteine.
Molecular consequence: missense variant.
Genome position (GRCh38, 1-based): chr1:241,497,861, C>G on the plus strand (G>C on the coding strand, the complement: FH is on the minus strand). VCF-style: chr1-241497861-C-G. GRCh37 (hg19) VCF-style: chr1-241661161-C-G.
Other names: short protein forms W500C.
Identifiers: ClinVar variation 1774015 (VCV001774015.2), dbSNP rs886039368, ClinGen allele CA345450224.

ClinVar aggregate classification (germline): Uncertain significance (1 of 4 stars; one submission).

Conditions:
Hereditary cancer-predisposing syndrome. Also called: Hereditary Cancer Syndrome; Hereditary neoplastic syndrome; Neoplastic Syndromes, Hereditary; Tumor predisposition. Identifiers: Orphanet 140162, MedGen C0027672, MeSH D009386, MONDO:0015356.

Allele frequency attached by ClinVar (database versions not stated): gnomAD exomes below 0.00001.
gnomAD v4.1: 3 of 1,611,862 alleles (0.00019%); highest among the groups gnomAD compares: South Asian, 0.0011%; no homozygotes.

Submission:

Ambry Genetics
Classification: Uncertain significance for Hereditary cancer-predisposing syndrome. Last evaluated: 2021-08-11. Review status: criteria provided, single submitter. Criteria: Ambry Variant Classification Scheme 2023. Collection method: clinical testing. Allele origin: germline.
Comment: The p.W500C variant (also known as c.1500G>C), located in coding exon 10 of the FH gene, results from a G to C substitution at nucleotide position 1500. The tryptophan at codon 500 is replaced by cysteine, an amino acid with highly dissimilar properties. This amino acid position is highly conserved in available vertebrate species. In addition, this alteration is predicted to be deleterious by in silico analysis. Since supporting evidence is limited at this time, the clinical significance of this alteration remains unclear.